The following is an entry in ClinVar:

ClinVar aggregate classification (germline): Benign (3 of 4 stars; one submission).

Conditions:
Breast-ovarian cancer, familial, susceptibility to, 2 (BROVCA2). Also called: BRCA2 Hereditary Breast and Ovarian Cancer. Identifiers: Orphanet 145, MedGen C2675520, MONDO:0012933, OMIM 612555. Disease mechanism: loss of function.

Submission:

Evidence-based Network for the Interpretation of Germline Mutant Alleles (ENIGMA)
Classification: Benign for Breast-ovarian cancer, familial 2. Last evaluated: 2015-01-12. Review status: reviewed by expert panel. Criteria: ENIGMA BRCA1/2 Classification Criteria (2015). Collection method: curation. Allele origin: germline.
Comment: Class 1 not pathogenic based on frequency >1% in an outbred sampleset. Frequency 0.02 (Asian), 0.02 (African), 0.02 (European), derived from 1000 genomes (2012-04-30).

NM_000059.4(BRCA2):c.1909+1301del

Gene: BRCA2 (BRCA2 DNA repair associated; plus strand). Cytogenetic location: 13q13.1.
Variant type: Deletion.
Coding change: c.1909+1301del on transcript NM_000059.4 (MANE Select); 1301 bases into the intron after coding-DNA position 1909, one base deleted (G; older notation c.1909+1301delG).
Molecular consequence: intron variant.
Genome position (GRCh38, 1-based): chr13:32,334,688, G deleted. VCF-style (leftmost placement, unchanged base first): chr13-32334687-AG-A. GRCh37 (hg19) VCF-style: chr13-32908824-AG-A.
Other names: IVS 10+1301del.
Identifiers: ClinVar variation 209679 (VCV000209679.1), dbSNP rs202150453, ClinGen allele CA276648.